The following is an entry in ClinVar:

ClinVar aggregate classification (germline): Uncertain significance (1 of 4 stars; one submission).

Conditions:
Pulmonary fibrosis and/or bone marrow failure syndrome, telomere-related, 7 (PFBMFT7). Identifiers: MedGen C5830485, MONDO:0957261, OMIM 620365.

gnomAD v4.1: 1 of 1,598,276 alleles (0.000063%); highest among the groups gnomAD compares: East Asian, 0.0023%; no homozygotes.

Submission:

Pittsburgh Clinical Genomics Laboratory, University of Pittsburgh Medical Center
Classification: Uncertain significance for Pulmonary fibrosis and/or bone marrow failure syndrome, telomere-related, 7. Last evaluated: 2024-04-26. Review status: criteria provided, single submitter. Criteria: ACMG Guidelines, 2015. Collection method: clinical testing. Allele origin: germline. Inheritance: Autosomal dominant inheritance. Affected: yes.
Comment: This sequence variant is a single nucleotide substitution (C>G) at position 227 of the coding sequence of the NAF1 gene that results in an alanine to glycine amino acid change at residue 76 of the nuclear assembly factor 1 ribonucleoprotein protein. This variant is absent from ClinVar and has not been observed in individuals affected by a NAF1-related disorder in the published literature, to our knowledge. This variant is present in 1 of 612858 alleles (0.00016%) in the gnomAD v4.0.0 population dataset. Multiple bioinformatic tools predict that this amino acid change would be neutral, and the Ala76 residue at this position is poorly conserved across the vertebrate species examined. Studies examining the functional consequence of this variant have not been published, to our knowledge. At this time, there is insufficient evidence to determine if this variant is pathogenic or benign. Therefore, we consider this a variant of uncertain significance. ACMG Criteria: BP4, PM2

NM_138386.3(NAF1):c.227C>G (p.Ala76Gly)

Gene: NAF1 (nuclear assembly factor 1 ribonucleoprotein; minus strand). Cytogenetic location: 4q32.2.
Variant type: single nucleotide variant.
Coding change: c.227C>G on transcript NM_138386.3 (MANE Select); coding-DNA position 227, C replaced by G.
Protein change: p.Ala76Gly; replaces alanine 76 with glycine.
Molecular consequence: missense variant.
Genome position (GRCh38, 1-based): chr4:163,166,501, G>C on the plus strand (C>G on the coding strand, the complement: NAF1 is on the minus strand). VCF-style: chr4-163166501-G-C. GRCh37 (hg19) VCF-style: chr4-164087653-G-C.
Other names: c.227C>G, p.Ala76Gly (NM_001128931.2); short protein forms A76G.
Identifiers: ClinVar variation 3376460 (VCV003376460.1).